The following is an entry in ClinVar:

NM_000038.6(APC):c.2476T>G (p.Leu826Val)

Gene: APC (APC regulator of Wnt signaling pathway; plus strand). Cytogenetic location: 5q22.2.
Variant type: single nucleotide variant.
Coding change: c.2476T>G on transcript NM_000038.6 (MANE Select); coding-DNA position 2476, T replaced by G.
Protein change: p.Leu826Val; replaces leucine 826 with valine.
Molecular consequence: missense variant.
Genome position (GRCh38, 1-based): chr5:112,838,070, T>G. VCF-style: chr5-112838070-T-G. GRCh37 (hg19) VCF-style: chr5-112173767-T-G.
Other names: NM_000038.6(APC):c.2476T>G; p.Leu826Val; c.2476T>G, p.Leu826Val (NM_001127510.3, NM_001354895.2); c.2422T>G, p.Leu808Val (NM_001127511.3); c.2530T>G, p.Leu844Val (NM_001354896.2); c.2506T>G, p.Leu836Val (NM_001354897.2); c.2401T>G, p.Leu801Val (NM_001354898.2); c.2392T>G, p.Leu798Val (NM_001354899.2); and 8 more; short protein forms L808V, L826V, L735V, L725V, L767V, L798V, L801V, L836V.
Identifiers: ClinVar variation 142010 (VCV000142010.35), dbSNP rs145245264, ClinGen allele CA007509.

ClinVar aggregate classification (germline): Benign. Review status: reviewed by expert panel (3 of 4 stars). 15 submissions from 15 submitters: Benign (1). 14 of the submissions do not count toward it. Last evaluated 2023-02-25.

Conditions:
APC-related disorder. Also called: APC-related condition.
Hereditary cancer-predisposing syndrome. Also called: Tumor predisposition; Neoplastic Syndromes, Hereditary; Hereditary Cancer Syndrome; Hereditary neoplastic syndrome. Identifiers: Orphanet 140162, MedGen C0027672, MeSH D009386, MONDO:0015356.
Desmoid disease, hereditary (DESMD). Also called: FIBROMATOSIS, FAMILIAL INFILTRATIVE. Identifiers: Orphanet 873, MedGen C1851124, OMIM 135290. Disease mechanism: loss of function.
Gastric adenocarcinoma and proximal polyposis of the stomach (GAPPS). Also called: Polyposis, gastric, Dos Santos and de Magalhaes 1980; Gastric Adenocarcinoma and Proximal Polyposis of the Stomach (GAPPS); POLYPOSIS, GASTRIC. Identifiers: Orphanet 314022, MedGen C4749917, MONDO:0017790, OMIM 619182.
Hepatocellular carcinoma (HCC). Also called: Primary carcinoma of liver; HEPATOMA; LIVER CELL CARCINOMA. Identifiers: Orphanet 88673, MedGen C2239176, MONDO:0007256, OMIM 114550, HP:0001402.
Gastric cancer. Also called: Stomach cancer; Malignant tumor of stomach. Identifiers: MedGen C0024623, MeSH D013274, MONDO:0001056, OMIM 613659, HP:0012126.
Colorectal cancer. Also called: Colorectal cancer, somatic; Malignant Colorectal Neoplasm. Identifiers: MedGen C0346629, MONDO:0005575, OMIM 114500.
Familial adenomatous polyposis 1 (FAP1). Also called: FAMILIAL ADENOMATOUS POLYPOSIS 1, ATTENUATED; POLYPOSIS, ADENOMATOUS INTESTINAL. Identifiers: MedGen C2713442, MONDO:0021056, OMIM 175100. Disease mechanism: loss of function.
Classic or attenuated familial adenomatous polyposis. Identifiers: MedGen CN372698, MONDO:0021057.

Allele frequency attached by ClinVar (database versions not stated): 1000 Genomes Project 30x 0.00016; 1000 Genomes Project 0.00020; ESP Exome Variant Server 0.00038; TOPMed 0.00047; gnomAD 0.00054; gnomAD exomes 0.00010; ExAC 0.00015.
gnomAD v4.1: 115 of 1,614,206 alleles (0.0071%); highest among the groups gnomAD compares: African/African-American, 0.15%; no homozygotes.

Submissions (15):

ClinGen InSiGHT Hereditary Colorectal Cancer/Polyposis Variant Curation Expert Panel
Classification: Benign for Familial adenomatous polyposis 1. Last evaluated: 2023-02-25. Review status: reviewed by expert panel. Criteria: ClinGen InSiGHT HCCP VCEP ACMG Specifications APC V1. Collection method: curation. Allele origin: germline. Inheritance: Autosomal dominant inheritance.
Comment: The c.2476T>G variant in APC is a missense variant predicted to cause a substitution of leucine by valine at amino acid position 826 (p.Leu826Val). The highest population minor allele frequency in gnomAD v2.1.1 is 0.1576% in the non-cancer African/African American population, which is higher than the ClinGen InSiGHT Hereditary Colorectal Cancer/Polyposis Variant Curation threshold (>0.1%) for BA1, and therefore meets this criterion (BA1). Additionally, APC is defined by the ClinGen InSiGHT Hereditary Colorectal Cancer/Polyposis Variant Curation Expert Panel as a gene for which primarily truncating variants are known to cause disease (BP1). Multiple lines of computational evidence suggest no splicing impact. In summary, this variant meets the criteria to be classified as Benign for FAP. ACMG/AMP criteria applied, as specified by the ClinGen/InSiGHT Hereditary Colorectal Cancer/Polyposis Expert Panel: BA1, BP1 (VCEP specifications version 1; date of approval: 12/12/2022).

Labcorp Genetics (formerly Invitae), Labcorp
Classification: Likely benign for Familial adenomatous polyposis 1. Last evaluated: 2026-02-03. Review status: criteria provided, single submitter. Criteria: Invitae Variant Classification Sherloc (09022015). Collection method: clinical testing. Allele origin: germline. Not counted in ClinVar's aggregate classification.

Color Diagnostics, LLC DBA Color Health
Classification: Benign for Hereditary cancer-predisposing syndrome. Last evaluated: 2024-09-19. Review status: criteria provided, single submitter. Criteria: ACMG Guidelines, 2015. Collection method: clinical testing. Allele origin: germline. Not counted in ClinVar's aggregate classification.

Department of Pathology and Laboratory Medicine, Sinai Health System
Classification: Likely benign for Familial adenomatous polyposis 1; Desmoid disease, hereditary. Last evaluated: 2024-04-10. Review status: criteria provided, single submitter. Criteria: ACMG Guidelines, 2015. Collection method: clinical testing. Allele origin: germline. Affected: yes. Not counted in ClinVar's aggregate classification.

Myriad Genetics, Inc.
Classification: Likely benign for Familial adenomatous polyposis 1. Last evaluated: 2024-03-14. Review status: criteria provided, single submitter. Criteria: Myriad Autosomal Dominant, Autosomal Recessive and X-Linked Classification Criteria (2023). Collection method: clinical testing. Allele origin: unknown. Not counted in ClinVar's aggregate classification.
Comment: This variant is considered likely benign. This variant has been observed at a population frequency that is significantly greater than expected given the associated disease prevalence and penetrance.

All of Us Research Program, National Institutes of Health
Classification: Benign for Classic or attenuated familial adenomatous polyposis. Last evaluated: 2024-02-05. Review status: criteria provided, single submitter. Criteria: ACMG Guidelines, 2015. Collection method: clinical testing. Allele origin: germline. Inheritance: Autosomal dominant inheritance. Observed: 19 variant alleles, 19 heterozygotes. Not counted in ClinVar's aggregate classification.
Comment: This study involves interpretation of variants in research participants for the purpose of population health screening. Participant phenotype was not available at the time of variant classification. Additional details can be found in publication PMID: 35346344, PMCID: PMC8962531

Quest Diagnostics Nichols Institute San Juan Capistrano
Classification: Benign. Last evaluated: 2022-12-19. Review status: criteria provided, single submitter. Criteria: Quest Diagnostics criteria. Collection method: clinical testing. Allele origin: unknown. Not counted in ClinVar's aggregate classification.

St. Jude Molecular Pathology, St. Jude Children's Research Hospital
Classification: Likely benign for Familial adenomatous polyposis 1. Last evaluated: 2021-08-05. Review status: criteria provided, single submitter. Criteria: St. Jude Assertion Criteria 2020. Collection method: clinical testing. Allele origin: germline. Not counted in ClinVar's aggregate classification.
Comment: The APC c.2476T>G (p.Leu826Val) missense change has a maximum subpopulation frequency of 0.16% in gnomAD v2.1.1. This is higher than the reported incidence of APC-related familial adenomatous polyposis (BS1). Several in silico tools predict a benign effect of this variant on protein function (BP4), but to our knowledge these predictions have not been confirmed by functional assays. To our knowledge, this variant has not been reported in individuals with APC-related familial adenomatous polyposis. In summary, this variant meets criteria to be classified as likely benign based on the ACMG/AMP criteria: BS1, BP4.

Fulgent Genetics
Classification: Likely benign for Colorectal cancer; Hepatocellular carcinoma; Desmoid disease, hereditary; Familial adenomatous polyposis 1; Gastric cancer; Gastric adenocarcinoma and proximal polyposis of the stomach. Last evaluated: 2021-08-04. Review status: criteria provided, single submitter. Criteria: ACMG Guidelines, 2015. Collection method: clinical testing. Allele origin: unknown. Not counted in ClinVar's aggregate classification.

GeneDx
Classification: Likely benign. Last evaluated: 2021-06-09. Review status: criteria provided, single submitter. Criteria: GeneDx Variant Classification Process June 2021. Collection method: clinical testing. Allele origin: germline. Affected: yes. Not counted in ClinVar's aggregate classification.
Comment: This variant is associated with the following publications: (PMID: 26580448, 25186627)

Genetic Services Laboratory, University of Chicago
Classification: Benign. Last evaluated: 2021-04-29. Review status: criteria provided, single submitter. Criteria: ACMG Guidelines, 2015. Collection method: clinical testing. Allele origin: germline. Affected: no. Not counted in ClinVar's aggregate classification.

Women's Health and Genetics/Laboratory Corporation of America, LabCorp
Classification: Likely benign. Last evaluated: 2021-03-01. Review status: criteria provided, single submitter. Criteria: LabCorp Variant Classification Summary - May 2015. Collection method: clinical testing. Allele origin: germline. Not counted in ClinVar's aggregate classification.
Comment: Variant summary: APC c.2476T>G (p.Leu826Val) results in a conservative amino acid change in the encoded protein sequence. Five of five in-silico tools predict a benign effect of the variant on protein function. The variant allele was found at a frequency of 9.6e-05 in 250976 control chromosomes, predominantly at a frequency of 0.0014 within the African or African-American subpopulation in the gnomAD database. The observed variant frequency within African or African-American control individuals in the gnomAD database is approximately 20 fold of the estimated maximal expected allele frequency for a pathogenic variant in APC causing Familial Adenomatous Polyposis phenotype (7.1e-05), strongly suggesting that the variant is a benign polymorphism found primarily in populations of African or African-American origin. c.2476T>G has been reported in the literature in individuals affected with breast cancer and pediatric cancer (Tung_2014, Zhang_2015). These reports do not provide unequivocal conclusions about association of the variant with Familial Adenomatous Polyposis. To our knowledge, no experimental evidence demonstrating an impact on protein function has been reported. Five ClinVar submitters (evaluation after 2014) cite the variant as uncertain significance (n=1), likely benign (n=3) and benign (n=1). Based on the evidence outlined above, the variant was classified as likely benign.

Sema4
Classification: Likely benign for Hereditary cancer-predisposing syndrome. Last evaluated: 2020-12-03. Review status: criteria provided, single submitter. Criteria: Sema4 Curation Guidelines. Collection method: curation. Allele origin: germline. Not counted in ClinVar's aggregate classification.

Ambry Genetics
Classification: Likely benign for Hereditary cancer-predisposing syndrome. Last evaluated: 2018-08-29. Review status: criteria provided, single submitter. Criteria: Ambry Variant Classification Scheme 2023. Collection method: clinical testing. Allele origin: germline. Not counted in ClinVar's aggregate classification.

PreventionGenetics, part of Exact Sciences
Classification: Likely benign for APC-related condition. Last evaluated: 2021-06-07. Review status: no assertion criteria provided. Collection method: clinical testing. Allele origin: germline. Not counted in ClinVar's aggregate classification.
Comment: This variant is classified as likely benign based on ACMG/AMP sequence variant interpretation guidelines (Richards et al. 2015 PMID: 25741868, with internal and published modifications).

Literature cited by the submitters: PubMed 25186627 (cited by 3 submitters); PubMed 26580448 (cited by Quest Diagnostics Nichols Institute San Juan Capistrano and Women's Health and Genetics/Laboratory Corporation of America, LabCorp).